The following is an entry in ClinVar:

ClinVar aggregate classification (germline): Likely benign. Review status: criteria provided, multiple submitters, no conflicts (2 of 4 stars). 2 submissions from 2 submitters: Likely benign (2). Last evaluated 2023-08-30.

Conditions:
RASopathy. Also called: rasopathies; Noonan spectrum disorder. Identifiers: Orphanet 536391, MedGen C5555857, MONDO:0021060.
Fibromatosis, gingival, 1 (GINGF1). Identifiers: Orphanet 2024, MedGen C4551558, MONDO:0007609, OMIM 135300.
Noonan syndrome 4 (NS4). Also called: NOONAN SYNDROME WITH PIGMENTED VILLONODULAR SYNOVITIS; SOS1-Related Noonan Syndrome. Identifiers: Orphanet 648, MedGen C1853120, MONDO:0012547, OMIM 610733.

gnomAD v4.1: 1 of 1,613,256 alleles (0.000062%); highest among the groups gnomAD compares: East Asian, 0.0022%; no homozygotes.

Submissions (2):

Labcorp Genetics (formerly Invitae), Labcorp
Classification: Likely benign for RASopathy. Last evaluated: 2023-08-30. Review status: criteria provided, single submitter. Criteria: Invitae Variant Classification Sherloc (09022015). Collection method: clinical testing. Allele origin: germline.

Juno Genomics, Hangzhou Juno Genomics, Inc
Classification: Likely benign for Fibromatosis, gingival, 1; Noonan syndrome 4. Review status: criteria provided, single submitter. Criteria: ACMG Guidelines, 2015. Collection method: clinical testing. Allele origin: germline.
Comment: Absent from controls (or at extremely low frequency if recessive) in Genome Aggregation Database.;Multiple lines of computational evidence suggest no impact on gene or gene product.

NM_005633.4(SOS1):c.3100C>T (p.Pro1034Ser)

Gene: SOS1 (SOS Ras/Rac guanine nucleotide exchange factor 1; minus strand). Cytogenetic location: 2p22.1.
Variant type: single nucleotide variant.
Coding change: c.3100C>T on transcript NM_005633.4 (MANE Select); coding-DNA position 3100, C replaced by T.
Protein change: p.Pro1034Ser; replaces proline 1034 with serine.
Molecular consequence: missense variant.
Genome position (GRCh38, 1-based): chr2:38,995,369, G>A on the plus strand (C>T on the coding strand, the complement: SOS1 is on the minus strand). VCF-style: chr2-38995369-G-A. GRCh37 (hg19) VCF-style: chr2-39222510-G-A.
Other names: c.3079C>T, p.Pro1027Ser (NM_001382394.1); c.3100C>T, p.Pro1034Ser (NM_001382395.1); short protein forms P1034S, P1027S.
Identifiers: ClinVar variation 2756447 (VCV002756447.5), dbSNP rs1167317994, ClinGen allele CA346361227.